The following is an entry in ClinVar:

ClinVar aggregate classification (germline): Uncertain significance. Review status: criteria provided, multiple submitters, no conflicts (2 of 4 stars). 3 submissions from 3 submitters: Uncertain significance (3). Last evaluated 2024-11-01.

Conditions:
Hereditary cancer-predisposing syndrome. Also called: Tumor predisposition; Hereditary neoplastic syndrome; Neoplastic Syndromes, Hereditary; Hereditary Cancer Syndrome. Identifiers: Orphanet 140162, MedGen C0027672, MeSH D009386, MONDO:0015356.
Familial adenomatous polyposis 1 (FAP1). Also called: POLYPOSIS, ADENOMATOUS INTESTINAL; FAMILIAL ADENOMATOUS POLYPOSIS 1, ATTENUATED. Identifiers: MedGen C2713442, MONDO:0021056, OMIM 175100. Disease mechanism: loss of function.

Allele frequency attached by ClinVar (database versions not stated): gnomAD exomes below 0.00001.
gnomAD v4.1: 2 of 1,613,186 alleles (0.00012%); highest among the groups gnomAD compares: East Asian, 0.0045%; no homozygotes.

Submissions (3):

Ambry Genetics
Classification: Uncertain significance for Hereditary cancer-predisposing syndrome. Last evaluated: 2024-11-01. Review status: criteria provided, single submitter. Criteria: Ambry Variant Classification Scheme 2023. Collection method: clinical testing. Allele origin: germline.
Comment: The p.K1250E variant (also known as c.3748A>G), located in coding exon 15 of the APC gene, results from an A to G substitution at nucleotide position 3748. The lysine at codon 1250 is replaced by glutamic acid, an amino acid with similar properties. This amino acid position is conserved. In addition, in silico predictors for this gene do not accurately predict pathogenicity. Based on the available evidence, the clinical significance of this variant remains unclear.

Labcorp Genetics (formerly Invitae), Labcorp
Classification: Uncertain significance for Familial adenomatous polyposis 1. Last evaluated: 2023-12-11. Review status: criteria provided, single submitter. Criteria: Invitae Variant Classification Sherloc (09022015). Collection method: clinical testing. Allele origin: germline.
Comment: This sequence change replaces lysine, which is basic and polar, with glutamic acid, which is acidic and polar, at codon 1250 of the APC protein (p.Lys1250Glu). This variant is present in population databases (no rsID available, gnomAD 0.006%). This variant has not been reported in the literature in individuals affected with APC-related conditions. ClinVar contains an entry for this variant (Variation ID: 960255). Advanced modeling of protein sequence and biophysical properties (such as structural, functional, and spatial information, amino acid conservation, physicochemical variation, residue mobility, and thermodynamic stability) performed at Invitae indicates that this missense variant is not expected to disrupt APC protein function with a negative predictive value of 95%. In summary, the available evidence is currently insufficient to determine the role of this variant in disease. Therefore, it has been classified as a Variant of Uncertain Significance.

Baylor Genetics
Classification: Uncertain significance for Familial adenomatous polyposis 1. Last evaluated: 2023-08-28. Review status: criteria provided, single submitter. Criteria: ACMG Guidelines, 2015. Collection method: clinical testing. Allele origin: unknown.

NM_000038.6(APC):c.3748A>G (p.Lys1250Glu)

Gene: APC (APC regulator of Wnt signaling pathway; plus strand). Cytogenetic location: 5q22.2.
Variant type: single nucleotide variant.
Coding change: c.3748A>G on transcript NM_000038.6 (MANE Select); coding-DNA position 3748, A replaced by G.
Protein change: p.Lys1250Glu; replaces lysine 1250 with glutamic acid.
Molecular consequence: missense variant.
Genome position (GRCh38, 1-based): chr5:112,839,342, A>G. VCF-style: chr5-112839342-A-G. GRCh37 (hg19) VCF-style: chr5-112175039-A-G.
Other names: c.3748A>G, p.Lys1250Glu (NM_001127510.3, NM_001354895.2); c.3694A>G, p.Lys1232Glu (NM_001127511.3); c.3802A>G, p.Lys1268Glu (NM_001354896.2); c.3778A>G, p.Lys1260Glu (NM_001354897.2); c.3673A>G, p.Lys1225Glu (NM_001354898.2); c.3664A>G, p.Lys1222Glu (NM_001354899.2); c.3625A>G, p.Lys1209Glu (NM_001354900.2); c.3571A>G, p.Lys1191Glu (NM_001354901.2); and 5 more; short protein forms K1124E, K1159E, K1232E, K1268E, K1209E, K1225E, K1090E, K1250E.
Identifiers: ClinVar variation 960255 (VCV000960255.13), dbSNP rs1391247602, ClinGen allele CA16029555.